The following is an entry in ClinVar:

NM_003737.4(DCHS1):c.3842G>A (p.Arg1281Gln)

Gene: DCHS1 (dachsous cadherin-related 1; minus strand). Cytogenetic location: 11p15.4.
Variant type: single nucleotide variant.
Coding change: c.3842G>A on transcript NM_003737.4 (MANE Select); coding-DNA position 3842, G replaced by A.
Protein change: p.Arg1281Gln; replaces arginine 1281 with glutamine.
Molecular consequence: missense variant.
Genome position (GRCh38, 1-based): chr11:6,631,141, C>T on the plus strand (G>A on the coding strand, the complement: DCHS1 is on the minus strand). VCF-style: chr11-6631141-C-T. GRCh37 (hg19) VCF-style: chr11-6652372-C-T.
Other names: c.3842G>A (NM_003737.2); short protein forms R1281Q.
Identifiers: ClinVar variation 1408180 (VCV001408180.7), dbSNP rs758356100, ClinGen allele CA5860411.

ClinVar aggregate classification (germline): Uncertain significance. Review status: criteria provided, multiple submitters, no conflicts (2 of 4 stars). 2 submissions from 2 submitters: Uncertain significance (2). Last evaluated 2025-08-24.

Conditions:
Inborn genetic diseases. Identifiers: MedGen C0950123, MeSH D030342.

Allele frequency attached by ClinVar (database versions not stated): gnomAD 0.00002 and 0.00003; ExAC 0.00003; gnomAD exomes 0.00003.
gnomAD v4.1: 47 of 1,613,258 alleles (0.0029%); highest among the groups gnomAD compares: South Asian, 0.015%; no homozygotes.

Submissions (2):

Ambry Genetics
Classification: Uncertain significance for Inborn genetic diseases. Last evaluated: 2025-08-24. Review status: criteria provided, single submitter. Criteria: Ambry Variant Classification Scheme 2023. Collection method: clinical testing. Allele origin: germline.

Labcorp Genetics (formerly Invitae), Labcorp
Classification: Uncertain significance. Last evaluated: 2025-07-13. Review status: criteria provided, single submitter. Criteria: Invitae Variant Classification Sherloc (09022015). Collection method: clinical testing. Allele origin: germline.
Comment: This sequence change replaces arginine, which is basic and polar, with glutamine, which is neutral and polar, at codon 1281 of the DCHS1 protein (p.Arg1281Gln). This variant is present in population databases (rs758356100, gnomAD 0.01%). This variant has not been reported in the literature in individuals affected with DCHS1-related conditions. ClinVar contains an entry for this variant (Variation ID: 1408180). Invitae Evidence Modeling of protein sequence and biophysical properties (such as structural, functional, and spatial information, amino acid conservation, physicochemical variation, residue mobility, and thermodynamic stability) indicates that this missense variant is expected to disrupt DCHS1 protein function with a positive predictive value of 80%. In summary, the available evidence is currently insufficient to determine the role of this variant in disease. Therefore, it has been classified as a Variant of Uncertain Significance.